The following is an entry in ClinVar:

NM_003073.5(SMARCB1):c.538G>T (p.Ala180Ser)

Gene: SMARCB1 (SWI/SNF related BAF chromatin remodeling complex subunit B1; plus strand). Cytogenetic location: 22q11.23.
Variant type: single nucleotide variant.
Coding change: c.538G>T on transcript NM_003073.5 (MANE Select); coding-DNA position 538, G replaced by T.
Protein change: p.Ala180Ser; replaces alanine 180 with serine.
Molecular consequence: missense variant.
Genome position (GRCh38, 1-based): chr22:23,803,332, G>T. VCF-style: chr22-23803332-G-T. GRCh37 (hg19) VCF-style: chr22-24145519-G-T.
Other names: c.511G>T, p.Ala171Ser (NM_001007468.3); c.565G>T, p.Ala189Ser (NM_001317946.2); c.592G>T, p.Ala198Ser (NM_001362877.2); short protein forms A171S, A180S, A189S, A198S.
Identifiers: ClinVar variation 1705235 (VCV001705235.5), dbSNP rs1568943183, ClinGen allele CA410935609.

ClinVar aggregate classification (germline): Uncertain significance. Review status: criteria provided, multiple submitters, no conflicts (2 of 4 stars). 2 submissions from 2 submitters: Uncertain significance (2). Last evaluated 2022-10-08.

Allele frequency attached by ClinVar (database versions not stated): gnomAD exomes below 0.00001.
gnomAD v4.1: 2 of 1,614,126 alleles (0.00012%); highest among the groups gnomAD compares: East Asian, 0.0022%; no homozygotes.

Submissions (2):

Labcorp Genetics (formerly Invitae), Labcorp
Classification: Uncertain significance. Last evaluated: 2022-10-08. Review status: criteria provided, single submitter. Criteria: Invitae Variant Classification Sherloc (09022015). Collection method: clinical testing. Allele origin: germline.
Comment: In summary, the available evidence is currently insufficient to determine the role of this variant in disease. Therefore, it has been classified as a Variant of Uncertain Significance. Advanced modeling of protein sequence and biophysical properties (such as structural, functional, and spatial information, amino acid conservation, physicochemical variation, residue mobility, and thermodynamic stability) performed at Invitae indicates that this missense variant is not expected to disrupt SMARCB1 protein function. This variant has not been reported in the literature in individuals affected with SMARCB1-related conditions. This variant is not present in population databases (gnomAD no frequency). This sequence change replaces alanine, which is neutral and non-polar, with serine, which is neutral and polar, at codon 180 of the SMARCB1 protein (p.Ala180Ser).

Women's Health and Genetics/Laboratory Corporation of America, LabCorp
Classification: Uncertain significance. Last evaluated: 2022-08-29. Review status: criteria provided, single submitter. Criteria: LabCorp Variant Classification Summary - May 2015. Collection method: clinical testing. Allele origin: germline.
Comment: Variant summary: SMARCB1 c.538G>T (p.Ala180Ser) results in a conservative amino acid change in the encoded protein sequence. Three of five in-silico tools predict a benign effect of the variant on protein function. The variant was absent in 251442 control chromosomes. The available data on variant occurrences in the general population are insufficient to allow any conclusion about variant significance. To our knowledge, no occurrence of c.538G>T in individuals affected with Coffin-Siris Syndrome and no experimental evidence demonstrating its impact on protein function have been reported. No clinical diagnostic laboratories have submitted clinical-significance assessments for this variant to ClinVar after 2014. Based on the evidence outlined above, the variant was classified as uncertain significance.